The following is an entry in ClinVar:

NM_001020658.2(PUM1):c.1744G>A (p.Val582Ile)

Gene: PUM1 (pumilio RNA binding family member 1; minus strand). Cytogenetic location: 1p35.2.
Variant type: single nucleotide variant.
Coding change: c.1744G>A on transcript NM_001020658.2 (MANE Select); coding-DNA position 1744, G replaced by A.
Protein change: p.Val582Ile; replaces valine 582 with isoleucine.
Molecular consequence: missense variant.
Genome position (GRCh38, 1-based): chr1:30,967,212, C>T on the plus strand (G>A on the coding strand, the complement: PUM1 is on the minus strand). VCF-style: chr1-30967212-C-T. GRCh37 (hg19) VCF-style: chr1-31440059-C-T.
Other names: c.1744G>A, p.Val582Ile (NM_014676.3); short protein forms V582I.
Identifiers: ClinVar variation 1305518 (VCV001305518.2), dbSNP rs1640658696, ClinGen allele CA339566695.

ClinVar aggregate classification (germline): Uncertain significance (1 of 4 stars; one submission).

Allele frequency attached by ClinVar (database versions not stated): gnomAD exomes below 0.00001.
gnomAD v4.1: 1 of 1,614,190 alleles (0.000062%); highest among the groups gnomAD compares: African/African-American, 0.0013%; no homozygotes.

Submission:

GeneDx
Classification: Uncertain significance. Last evaluated: 2019-05-10. Review status: criteria provided, single submitter. Criteria: GeneDx Variant Classification Process June 2021. Collection method: clinical testing. Allele origin: germline. Affected: yes.
Comment: Not observed in large population cohorts (Lek et al., 2016); In silico analysis, which includes protein predictors and evolutionary conservation, supports that this variant does not alter protein structure/function; Has not been previously published as pathogenic or benign to our knowledge